The following is an entry in ClinVar:

ClinVar aggregate classification (germline): Uncertain significance (1 of 4 stars; one submission).

Conditions:
Brugada syndrome. Also called: Sudden unexpected nocturnal death syndrome; Sudden Unexplained Death Syndrome; Sudden Unexplained Nocturnal Death Syndrome (SUNDS); Sudden unexplained nocturnal death syndrome. Identifiers: Orphanet 130, MedGen C1142166, MONDO:0015263.

Submission:

Labcorp Genetics (formerly Invitae), Labcorp
Classification: Uncertain significance for Brugada syndrome. Last evaluated: 2023-09-03. Review status: criteria provided, single submitter. Criteria: Invitae Variant Classification Sherloc (09022015). Collection method: clinical testing. Allele origin: germline.
Comment: This sequence change creates a premature translational stop signal (p.Glu245Argfs*14) in the SLMAP gene. It is expected to result in an absent or disrupted protein product. However, the current clinical and genetic evidence is not sufficient to establish whether loss-of-function variants in SLMAP cause disease. This variant is not present in population databases (gnomAD no frequency). This variant has not been reported in the literature in individuals affected with SLMAP-related conditions. In summary, the available evidence is currently insufficient to determine the role of this variant in disease. Therefore, it has been classified as a Variant of Uncertain Significance.

NM_001377540.1(SLMAP):c.732del (p.Glu245fs)

Gene: SLMAP (sarcolemma associated protein; plus strand). Cytogenetic location: 3p14.3.
Variant type: Deletion.
Coding change: c.732del on transcript NM_001377540.1 (MANE Select); coding-DNA position 732, one base deleted (A; older notation c.732delA).
Protein change: p.Glu245fs; shifts the reading frame from glutamic acid 245.
Molecular consequence: frameshift variant. On other transcripts: non-coding transcript variant (1).
Genome position (GRCh38, 1-based): chr3:57,860,743, A deleted; the last of 2 consecutive A bases (chr3:57,860,742-57,860,743); deleting either gives the same sequence. VCF-style (leftmost placement, unchanged base first): chr3-57860741-CA-C. GRCh37 (hg19) VCF-style: chr3-57846468-CA-C.
Other names: c.732del, p.Glu245fs (NM_001304420.3, NM_001304421.2, NM_001377538.1 and 17 more transcripts); short protein forms E245fs.
Identifiers: ClinVar variation 2757439 (VCV002757439.3), dbSNP rs2473374833, ClinGen allele CA2697556736.